The following is an entry in ClinVar:

ClinVar aggregate classification (germline): Uncertain significance (1 of 4 stars; one submission).

Allele frequency attached by ClinVar (database versions not stated): gnomAD 0.00001; TOPMed below 0.00001.
gnomAD v4.1: 1 of 1,613,582 alleles (0.000062%); highest among the groups gnomAD compares: Non-Finnish European, 0.000085%; no homozygotes.

Submission:

GeneDx
Classification: Uncertain significance. Last evaluated: 2017-08-30. Review status: criteria provided, single submitter. Criteria: GeneDx Variant Classification Process June 2021. Collection method: clinical testing. Allele origin: germline. Affected: yes.
Comment: Has not been previously published as pathogenic or benign to our knowledge; In silico analysis supports that this missense variant has a deleterious effect on protein structure/function; Not observedin large population cohorts (Lek 2016)

NM_006231.4(POLE):c.3272A>G (p.Glu1091Gly)

Gene: POLE (DNA polymerase epsilon, catalytic subunit; minus strand). Cytogenetic location: 12q24.33.
Variant type: single nucleotide variant.
Coding change: c.3272A>G on transcript NM_006231.4 (MANE Select); coding-DNA position 3272, A replaced by G.
Protein change: p.Glu1091Gly; replaces glutamic acid 1091 with glycine.
Molecular consequence: missense variant.
Genome position (GRCh38, 1-based): chr12:132,659,298, T>C on the plus strand (A>G on the coding strand, the complement: POLE is on the minus strand). VCF-style: chr12-132659298-T-C. GRCh37 (hg19) VCF-style: chr12-133235884-T-C.
Other names: short protein forms E1091G.
Identifiers: ClinVar variation 1303038 (VCV001303038.2), dbSNP rs1409558568, ClinGen allele CA387390193.